The following is an entry in ClinVar:

ClinVar aggregate classification (germline): Uncertain significance (1 of 4 stars; one submission).

Conditions:
ARHGEF28-related disorder. Also called: ARHGEF28-related condition.

Allele frequency attached by ClinVar (database versions not stated): gnomAD 0.00004; TOPMed 0.00004; gnomAD exomes 0.00006; ESP Exome Variant Server 0.00008.

Submission:

PreventionGenetics, part of Exact Sciences
Classification: Uncertain significance for ARHGEF28-related condition. Last evaluated: 2025-10-02. Review status: criteria provided, single submitter. Criteria: ACMG Guidelines, 2015. Collection method: clinical testing. Allele origin: germline.
Comment: The ARHGEF28 c.19G>A variant is predicted to result in the amino acid substitution p.Glu7Lys. To our knowledge, this variant has not been reported in the literature. This variant is reported in 0.0035% of alleles in individuals of European (non-Finnish) descent in gnomAD. At this time, the clinical significance of this variant is uncertain due to the absence of conclusive functional and genetic evidence.

NM_001177693.2(ARHGEF28):c.19G>A (p.Glu7Lys)

Gene: ARHGEF28 (Rho guanine nucleotide exchange factor 28; plus strand). Cytogenetic location: 5q13.2.
Variant type: single nucleotide variant.
Coding change: c.19G>A on transcript NM_001177693.2 (MANE Select); coding-DNA position 19, G replaced by A.
Protein change: p.Glu7Lys; replaces glutamic acid 7 with lysine.
Molecular consequence: missense variant.
Genome position (GRCh38, 1-based): chr5:73,684,870, G>A. VCF-style: chr5-73684870-G-A. GRCh37 (hg19) VCF-style: chr5-72980695-G-A.
Other names: c.19G>A, p.Glu7Lys (NM_001080479.3, NM_001388076.1, NM_001388078.1); short protein forms E7K.
Identifiers: ClinVar variation 2629017 (VCV002629017.2), dbSNP rs371272526, ClinGen allele CA3304046.